The following is an entry in ClinVar:

NM_014363.6(SACS):c.6195T>C (p.Ile2065=)

Gene: SACS (sacsin molecular chaperone; minus strand). Cytogenetic location: 13q12.12.
Variant type: single nucleotide variant.
Coding change: c.6195T>C on transcript NM_014363.6 (MANE Select); coding-DNA position 6195, T replaced by C.
Protein change: p.Ile2065=; no amino-acid change (isoleucine 2065 retained).
Molecular consequence: synonymous variant.
Genome position (GRCh38, 1-based): chr13:23,337,681, A>G on the plus strand (T>C on the coding strand, the complement: SACS is on the minus strand). VCF-style: chr13-23337681-A-G. GRCh37 (hg19) VCF-style: chr13-23911820-A-G.
Other names: c.5754T>C, p.Ile1918= (NM_001278055.2).
Identifiers: ClinVar variation 130203 (VCV000130203.34), dbSNP rs4143768, ClinGen allele CA155044.
Genomic context (GRCh38, chr13:23,337,681, plus strand): 5'-AACTTTTTCATTTAGAACAAAGATCATTAAAGGATCTCTAAGTTCTGCTTCAATTTCTTG[A>G]ATATTTGGAAAAAACACTTCAGAAAAAAACTGTTTCTCTGAAAATGTGTTTTCAAGTAGT-3'
Protein context (NP_055178.3, residues 2055-2075): QFFSEVFFPN[Ile2065=]QEIEAELRDP

ClinVar aggregate classification (germline): Benign/Likely benign. Review status: criteria provided, multiple submitters, no conflicts (2 of 4 stars). 13 submissions from 13 submitters: Benign (6); Likely benign (2). 5 of the submissions do not count toward it. Last evaluated 2026-02-04.

Conditions:
Hereditary spastic paraplegia. Also called: Familial spastic paraparesis. Identifiers: Orphanet 685, MedGen C0037773, MONDO:0019064. Disease mechanism: loss of function.
Charlevoix-Saguenay spastic ataxia (SACS). Also called: SPASTIC ATAXIA 6, AUTOSOMAL RECESSIVE; AUTOSOMAL RECESSIVE SPASTIC ATAXIA OF CHARLEVOIX-SAGUENAY; Spastic ataxia of Charlevoix-Saguenay. Identifiers: Orphanet 98, MedGen C1849140, MONDO:0010041, OMIM 270550.
Spastic paraplegia. Identifiers: MedGen C0037772, HP:0001258.

Allele frequency attached by ClinVar (database versions not stated): ESP Exome Variant Server 0.20351; gnomAD 0.21785 and 0.22637; TOPMed 0.23005; 1000 Genomes Project 30x 0.25234; 1000 Genomes Project 0.25998; gnomAD exomes 0.26646 and 0.28804; ExAC 0.28091.
gnomAD v4.1: 423,266 of 1,612,498 alleles (26%); highest among the groups gnomAD compares: Admixed American, 37%; 58,136 homozygotes.

Submissions (13):

Labcorp Genetics (formerly Invitae), Labcorp
Classification: Benign for Spastic paraplegia. Last evaluated: 2026-02-04. Review status: criteria provided, single submitter. Criteria: Invitae Variant Classification Sherloc (09022015). Collection method: clinical testing. Allele origin: germline.

Blueprint Genetics
Classification: Likely benign. Last evaluated: 2024-11-27. Review status: criteria provided, single submitter. Criteria: ACMG Guidelines, 2015. Collection method: clinical testing. Allele origin: germline.

Genome-Nilou Lab
Classification: Benign for Charlevoix-Saguenay spastic ataxia. Last evaluated: 2021-07-01. Review status: criteria provided, single submitter. Criteria: ACMG Guidelines, 2015. Collection method: clinical testing. Allele origin: germline. Affected: no.

Athena Diagnostics
Classification: Benign. Last evaluated: 2019-05-21. Review status: criteria provided, single submitter. Criteria: Athena Diagnostics Criteria. Collection method: clinical testing. Allele origin: germline.

GeneDx
Classification: Benign. Last evaluated: 2018-07-17. Review status: criteria provided, single submitter. Criteria: GeneDx Variant Classification Process June 2021. Collection method: clinical testing. Allele origin: germline. Affected: yes.

Genome Diagnostics Laboratory, The Hospital for Sick Children
Classification: Benign for Hereditary spastic paraplegia. Last evaluated: 2016-12-12. Review status: criteria provided, single submitter. Criteria: ACMG Guidelines, 2015. Collection method: clinical testing. Allele origin: germline. Affected: yes.

Breakthrough Genomics
Classification: Likely benign. Review status: criteria provided, single submitter. Criteria: ACMG Guidelines, 2015. Collection method: not provided. Allele origin: germline. Inheritance: Autosomal recessive inheritance. Affected: yes.

PreventionGenetics, part of Exact Sciences
Classification: Benign. Review status: criteria provided, single submitter. Criteria: ACMG Guidelines, 2015. Collection method: clinical testing. Allele origin: germline.

Natera, Inc.
Classification: Benign for Charlevoix-Saguenay type spastic ataxia. Last evaluated: 2020-09-16. Review status: no assertion criteria provided. Collection method: clinical testing. Allele origin: germline. Not counted in ClinVar's aggregate classification.

Mayo Clinic Laboratories, Mayo Clinic
Classification: Benign. Last evaluated: 2016-02-19. Review status: no assertion criteria provided. Collection method: clinical testing. Allele origin: unknown. Not counted in ClinVar's aggregate classification.

Clinical Genetics DNA and cytogenetics Diagnostics Lab, Erasmus MC, Erasmus Medical Center
Classification: Benign. Review status: no assertion criteria provided. Collection method: clinical testing. Allele origin: germline. Affected: yes. Study: VKGL Data-share Consensus. Not counted in ClinVar's aggregate classification.

Genetic Services Laboratory, University of Chicago
Classification: Likely benign for AllHighlyPenetrant. Review status: no assertion criteria provided. Collection method: clinical testing. Allele origin: germline. Inheritance: Autosomal recessive inheritance. Not counted in ClinVar's aggregate classification.
Comment: Likely benign based on allele frequency in 1000 Genomes Project or ESP global frequency and its presence in a patient with a rare or unrelated disease phenotype. NOT Sanger confirmed.

Joint Genome Diagnostic Labs from Nijmegen and Maastricht, Radboudumc and MUMC+
Classification: Benign. Review status: no assertion criteria provided. Collection method: clinical testing. Allele origin: germline. Affected: yes. Study: VKGL Data-share Consensus. Not counted in ClinVar's aggregate classification.